The following is an entry in ClinVar:

ClinVar aggregate classification (germline): Uncertain significance (1 of 4 stars; one submission).

Submission:

GeneDx
Classification: Uncertain significance. Last evaluated: 2024-10-14. Review status: criteria provided, single submitter. Criteria: GeneDx Variant Classification Process June 2021. Collection method: clinical testing. Allele origin: germline. Affected: yes.
Comment: Not observed at significant frequency in large population cohorts (gnomAD); In silico analysis supports that this missense variant has a deleterious effect on protein structure/function; Has not been previously published as pathogenic or benign to our knowledge

NM_001458.5(FLNC):c.578C>A (p.Ala193Asp)

Gene: FLNC (filamin C; plus strand). Cytogenetic location: 7q32.1.
Variant type: single nucleotide variant.
Coding change: c.578C>A on transcript NM_001458.5 (MANE Select); coding-DNA position 578, C replaced by A.
Protein change: p.Ala193Asp; replaces alanine 193 with aspartic acid.
Molecular consequence: missense variant.
Genome position (GRCh38, 1-based): chr7:128,835,551, C>A. VCF-style: chr7-128835551-C-A. GRCh37 (hg19) VCF-style: chr7-128475605-C-A.
Other names: c.578C>A, p.Ala193Asp (NM_001127487.2); short protein forms A193D.
Identifiers: ClinVar variation 3777677 (VCV003777677.1).